The following is an entry in ClinVar:

NM_000431.4(MVK):c.357C>G (p.Ile119Met)

Gene: MVK (mevalonate kinase; plus strand). Cytogenetic location: 12q24.11.
Variant type: single nucleotide variant.
Coding change: c.357C>G on transcript NM_000431.4 (MANE Select); coding-DNA position 357, C replaced by G.
Protein change: p.Ile119Met; replaces isoleucine 119 with methionine.
Molecular consequence: missense variant.
Genome position (GRCh38, 1-based): chr12:109,579,932, C>G. VCF-style: chr12-109579932-C-G. GRCh37 (hg19) VCF-style: chr12-110017737-C-G.
Other names: c.357C>G, p.Ile119Met (NM_001114185.3, NM_001301182.2); short protein forms I119M.
Identifiers: ClinVar variation 97582 (VCV000097582.1), dbSNP rs104895341, ClinGen allele CA149815.
Genomic context (GRCh38, chr12:109,579,932, plus strand): 5'-CGACTGTGCTGTCACCGAGCGCCTGGCTGTGCTGGCCTTTCTTTACTTATACCTGTCCAT[C>G]TGCCGGAAGCAGAGGTGTGTGCGTGGTCTGGGGAAGGAGTCCAGATTCAGCCTCCCATGG-3'
Protein context (NP_000422.1, residues 109-129): VLAFLYLYLS[Ile119Met]CRKQRALPSL

ClinVar aggregate classification (germline): not provided (0 of 4 stars; one submission).

Conditions:
Hyperimmunoglobulin D with periodic fever (HIDS). Also called: HYPERIMMUNOGLOBULINEMIA D AND PERIODIC FEVER SYNDROME; Hyperimmunoglobulinemia D; Hyperimmunoglobulinemia D with periodic fever. Identifiers: Orphanet 343, MedGen C0398691, MONDO:0009849, OMIM 260920.

Submission:

Unité médicale des maladies autoinflammatoires, CHRU Montpellier
No classification provided. Condition: Hyperimmunoglobulin D with periodic fever. Review status: no classification provided. Collection method: not provided. Allele origin: unknown.
Comment: also involved in OMIM 25117